The following is an entry in ClinVar:

ClinVar aggregate classification (germline): Conflicting classifications of pathogenicity. Review status: criteria provided, conflicting classifications (1 of 4 stars). 3 submissions from 3 submitters: Uncertain significance (2); Likely benign (1). Last evaluated 2025-08-26.

Conditions:
Hereditary cancer-predisposing syndrome. Also called: Hereditary neoplastic syndrome; Tumor predisposition; Neoplastic Syndromes, Hereditary; Hereditary Cancer Syndrome. Identifiers: Orphanet 140162, MedGen C0027672, MeSH D009386, MONDO:0015356.
Familial cancer of breast. Also called: Hereditary breast cancer; BREAST CANCER, FAMILIAL; hereditary breast carcinoma. Identifiers: Orphanet 227535, MedGen C0346153, MONDO:0016419, OMIM 114480. Disease mechanism: loss of function.

Allele frequency attached by ClinVar (database versions not stated): gnomAD exomes below 0.00001; ExAC 0.00001; gnomAD 0.00001; ESP Exome Variant Server 0.00008.
gnomAD v4.1: 1 of 1,613,998 alleles (0.000062%); highest among the groups gnomAD compares: African/African-American, 0.0013%; no homozygotes.

Submissions (3):

Labcorp Genetics (formerly Invitae), Labcorp
Classification: Uncertain significance for Familial cancer of breast. Last evaluated: 2025-08-26. Review status: criteria provided, single submitter. Criteria: Invitae Variant Classification Sherloc (09022015). Collection method: clinical testing. Allele origin: germline.
Comment: This sequence change replaces asparagine, which is neutral and polar, with lysine, which is basic and polar, at codon 497 of the PALB2 protein (p.Asn497Lys). This variant is present in population databases (rs374707677, gnomAD 0.007%). This missense change has been observed in individual(s) with pancreatic ductal adenoncarcinoma (PMID: 28767289). ClinVar contains an entry for this variant (Variation ID: 421287). Invitae Evidence Modeling of protein sequence and biophysical properties (such as structural, functional, and spatial information, amino acid conservation, physicochemical variation, residue mobility, and thermodynamic stability) indicates that this missense variant is not expected to disrupt PALB2 protein function with a negative predictive value of 80%. In summary, the available evidence is currently insufficient to determine the role of this variant in disease. Therefore, it has been classified as a Variant of Uncertain Significance.

Ambry Genetics
Classification: Likely benign for Hereditary cancer-predisposing syndrome. Last evaluated: 2024-03-21. Review status: criteria provided, single submitter. Criteria: Ambry Variant Classification Scheme 2023. Collection method: clinical testing. Allele origin: germline.

GeneDx
Classification: Uncertain significance. Last evaluated: 2016-05-25. Review status: criteria provided, single submitter. Criteria: GeneDx Variant Classification (06012015). Collection method: clinical testing. Allele origin: germline. Affected: yes.
Comment: This variant is denoted PALB2 c.1491T>G at the cDNA level, p.Asn497Lys (N497K) at the protein level, and results in the change of an Asparagine to a Lysine (AAT>AAG). This variant has not, to our knowledge, been published in the literature as pathogenic or benign. PALB2 Asn497Lys was not observed at a significant allele frequency in the NHLBI Exome Sequencing Project. Since Asparagine and Lysine differ in some properties, this is considered a semi-conservative amino acid substitution. PALB2 Asn497Lys occurs at a position that is not conserved and is located within the DNA-binding region (UniProt). In silico analyses predict that this variant is unlikely to alter protein structure or function. Based on currently available evidence, it is unclear whether PALB2 Asn497Lys is a pathogenic or benign variant. We consider it to be a variant of uncertain significance.

Literature cited by the submitters: PubMed 28767289 (cited by Labcorp Genetics (formerly Invitae), Labcorp).

NM_024675.4(PALB2):c.1491T>G (p.Asn497Lys)

Gene: PALB2 (partner and localizer of BRCA2; minus strand). Cytogenetic location: 16p12.2.
Variant type: single nucleotide variant.
Coding change: c.1491T>G on transcript NM_024675.4 (MANE Select); coding-DNA position 1491, T replaced by G.
Protein change: p.Asn497Lys; replaces asparagine 497 with lysine.
Molecular consequence: missense variant.
Genome position (GRCh38, 1-based): chr16:23,635,055, A>C on the plus strand (T>G on the coding strand, the complement: PALB2 is on the minus strand). VCF-style: chr16-23635055-A-C. GRCh37 (hg19) VCF-style: chr16-23646376-A-C.
Other names: short protein forms N497K.
Identifiers: ClinVar variation 421287 (VCV000421287.17), dbSNP rs374707677, ClinGen allele CA7963703.